The following is an entry in ClinVar:

NM_206965.2(FTCD):c.1522G>A (p.Glu508Lys)

Gene: FTCD (formimidoyltransferase cyclodeaminase; minus strand). Cytogenetic location: 21q22.3.
Variant type: single nucleotide variant.
Coding change: c.1522G>A on transcript NM_206965.2 (MANE Select); coding-DNA position 1522, G replaced by A.
Protein change: p.Glu508Lys; replaces glutamic acid 508 with lysine.
Molecular consequence: missense variant.
Genome position (GRCh38, 1-based): chr21:46,137,256, C>T on the plus strand (G>A on the coding strand, the complement: FTCD is on the minus strand). VCF-style: chr21-46137256-C-T. GRCh37 (hg19) VCF-style: chr21-47557170-C-T.
Other names: c.1522G>A, p.Glu508Lys (NM_001320412.2, NM_006657.3); short protein forms E508K.
Identifiers: ClinVar variation 2039791 (VCV002039791.4), dbSNP rs376081092, ClinGen allele CA10073372.

ClinVar aggregate classification (germline): Uncertain significance (1 of 4 stars; one submission).

Conditions:
Glutamate formiminotransferase deficiency. Also called: Formiminoglutamic aciduria; Arakawa syndrome 1. Identifiers: Orphanet 51208, MedGen C0268609, MONDO:0009240, OMIM 229100.

Allele frequency attached by ClinVar (database versions not stated): TOPMed 0.00001; ExAC 0.00002; gnomAD 0.00002; ESP Exome Variant Server 0.00008.
gnomAD v4.1: 23 of 1,613,034 alleles (0.0014%); highest among the groups gnomAD compares: South Asian, 0.0077%; no homozygotes.

Submission:

Labcorp Genetics (formerly Invitae), Labcorp
Classification: Uncertain significance for Glutamate formiminotransferase deficiency. Last evaluated: 2022-07-22. Review status: criteria provided, single submitter. Criteria: Invitae Variant Classification Sherloc (09022015). Collection method: clinical testing. Allele origin: germline.
Comment: In summary, the available evidence is currently insufficient to determine the role of this variant in disease. Therefore, it has been classified as a Variant of Uncertain Significance. Algorithms developed to predict the effect of missense changes on protein structure and function (SIFT, PolyPhen-2, Align-GVGD) all suggest that this variant is likely to be tolerated. This variant has not been reported in the literature in individuals affected with FTCD-related conditions. This variant is present in population databases (rs376081092, gnomAD 0.009%). This sequence change replaces glutamic acid, which is acidic and polar, with lysine, which is basic and polar, at codon 508 of the FTCD protein (p.Glu508Lys).